The following is an entry in ClinVar:

NM_000051.4(ATM):c.2781GTTAAT[1] (p.Met929_Leu930del)

Gene: ATM (ATM serine/threonine kinase; plus strand). Cytogenetic location: 11q22.3.
Variant type: Microsatellite.
Coding change: c.2781GTTAAT[1] on transcript NM_000051.4 (MANE Select); one copy of the 6-base unit GTTAAT starting at c.2781; the reference has two copies in a row; one copy, 6 bases deleted.
Protein change: p.Met929_Leu930del.
Molecular consequence: inframe deletion.
Genome position (GRCh38, 1-based): chr11:108,268,558-108,268,563, GTTAAT deleted; deleting any 6 consecutive bases within chr11:108,268,551-108,268,563 gives the same sequence; the position shown is the placement nearest the transcript's 3' end. VCF-style (leftmost placement, unchanged base first): chr11-108268550-TTGTTAA-T. GRCh37 (hg19) VCF-style: chr11-108139277-TTGTTAA-T.
Other names: c.2781GTTAAT[1], p.Met929_Leu930del (NM_001351834.2).
Identifiers: ClinVar variation 4712561 (VCV004712561.1).

ClinVar aggregate classification (germline): Uncertain significance (1 of 4 stars; one submission).

Conditions:
Ataxia-telangiectasia syndrome (AT). Also called: AT, COMPLEMENTATION GROUP C; Ataxia-telangiectasia, complementation group D; Cerebello-oculocutaneous telangiectasia; Immunodeficiency with ataxia telangiectasia; LOUIS-BAR SYNDROME; Ataxia telangiectasia (A-T). Identifiers: Orphanet 100, MedGen C0004135, MONDO:0008840, OMIM 208900.

Submission:

Labcorp Genetics (formerly Invitae), Labcorp
Classification: Uncertain significance for Ataxia-telangiectasia syndrome. Last evaluated: 2025-06-22. Review status: criteria provided, single submitter. Criteria: Invitae Variant Classification Sherloc (09022015). Collection method: clinical testing. Allele origin: germline.
Comment: This variant, c.2787_2792del, results in the deletion of 2 amino acid(s) of the ATM protein (p.Met929_Leu930del), but otherwise preserves the integrity of the reading frame. This variant is not present in population databases (gnomAD no frequency). This variant has not been reported in the literature in individuals affected with ATM-related conditions. Experimental studies and prediction algorithms are not available or were not evaluated, and the functional significance of this variant is currently unknown. In summary, the available evidence is currently insufficient to determine the role of this variant in disease. Therefore, it has been classified as a Variant of Uncertain Significance.